The following is an entry in ClinVar:

ClinVar aggregate classification (germline): Uncertain significance (1 of 4 stars; one submission).

Allele frequency attached by ClinVar (database versions not stated): gnomAD exomes 0.00001.
gnomAD v4.1: 3 of 1,613,282 alleles (0.00019%); highest among the groups gnomAD compares: South Asian, 0.0033%; no homozygotes.

Submission:

GeneDx
Classification: Uncertain significance. Last evaluated: 2014-08-22. Review status: criteria provided, single submitter. Criteria: GeneDx Variant Classification (06012015). Collection method: clinical testing. Allele origin: germline. Affected: yes.
Comment: Missense variants in the TTN gene are considered 'unclassified' if they are not previously reported in the literature and do not have >1% frequency in the population to be considered a polymorphism. Research indicates that truncating mutations in the TTN gene are expected to account for approximately 25% of familial and 18% of sporadic idiopathic DCM; however, truncating variants in the TTN gene have been reported in approximately 3% of reported control alleles. There has been little investigation into non-truncating variants. (Herman D et al. Truncations of titin causing dilated cardiomyopathy. N Eng J Med 366:619-628, 2012) The variant is found in CARDIOMYOPATHY panel(s).

NM_133379.5(TTN):c.12050T>C (p.Val4017Ala)

Gene: TTN (titin; minus strand). Cytogenetic location: 2q31.2.
Variant type: single nucleotide variant.
Coding change: c.12050T>C on transcript NM_133379.5 (MANE Plus Clinical); coding-DNA position 12050, T replaced by C.
Protein change: p.Val4017Ala; replaces valine 4017 with alanine.
Molecular consequence: missense variant. On other transcripts: intron variant (6).
Genome position (GRCh38, 1-based): chr2:178,750,350, A>G on the plus strand (T>C on the coding strand, the complement: TTN is on the minus strand). VCF-style: chr2-178750350-A-G. GRCh37 (hg19) VCF-style: chr2-179615077-A-G.
Other names: p.V4017A:GTG>GCG; c.10222+2774T>C (NM_003319.4); c.10798+2774T>C (NM_133437.4); c.10597+2774T>C (NM_133432.3); c.10360+2774T>C (NM_133378.4, NM_001256850.1); c.11311+2774T>C (NM_001267550.2); short protein forms V4017A.
Identifiers: ClinVar variation 203190 (VCV000203190.2), dbSNP rs794729591, ClinGen allele CA311629.